The following is an entry in ClinVar:

NM_015425.6(POLR1A):c.4810G>C (p.Asp1604His)

Gene: POLR1A (RNA polymerase I subunit A; minus strand). Cytogenetic location: 2p11.2.
Variant type: single nucleotide variant.
Coding change: c.4810G>C on transcript NM_015425.6 (MANE Select); coding-DNA position 4810, G replaced by C.
Protein change: p.Asp1604His; replaces aspartic acid 1604 with histidine.
Molecular consequence: missense variant.
Genome position (GRCh38, 1-based): chr2:86,028,681, C>G on the plus strand (G>C on the coding strand, the complement: POLR1A is on the minus strand). VCF-style: chr2-86028681-C-G. GRCh37 (hg19) VCF-style: chr2-86255804-C-G.
Other names: short protein forms D1604H.
Identifiers: ClinVar variation 4777908 (VCV004777908.1).
Genomic context (GRCh38, chr2:86,028,681, plus strand): 5'-CCTTCTCGATCACCCGCAGCGCGGCCTCAATGCCATACGTGTTGGCTATGGCGTGGATGT[C>G]GTTGGAGTAGAGGCGGCGCAGATCCAGGACCTGGAGAGAGGAAGGAAGGGATTTATTTAG-3'
Protein context (NP_056240.2, residues 1594-1614): VLDLRRLYSN[Asp1604His]IHAIANTYGI

ClinVar aggregate classification (germline): Uncertain significance (1 of 4 stars; one submission).

Submission:

Labcorp Genetics (formerly Invitae), Labcorp
Classification: Uncertain significance. Last evaluated: 2025-08-04. Review status: criteria provided, single submitter. Criteria: Invitae Variant Classification Sherloc (09022015). Collection method: clinical testing. Allele origin: germline.
Comment: This sequence change replaces aspartic acid, which is acidic and polar, with histidine, which is basic and polar, at codon 1604 of the POLR1A protein (p.Asp1604His). This variant is not present in population databases (gnomAD no frequency). This variant has not been reported in the literature in individuals affected with POLR1A-related conditions. Invitae Evidence Modeling of protein sequence and biophysical properties (such as structural, functional, and spatial information, amino acid conservation, physicochemical variation, residue mobility, and thermodynamic stability) has been performed for this missense variant. However, the output from this modeling did not meet the statistical confidence thresholds required to predict the impact of this variant on POLR1A protein function. In summary, the available evidence is currently insufficient to determine the role of this variant in disease. Therefore, it has been classified as a Variant of Uncertain Significance.